The following is an entry in ClinVar:

NM_004618.5(TOP3A):c.555C>T (p.Ala185=)

Gene: TOP3A (DNA topoisomerase III alpha; minus strand). Cytogenetic location: 17p11.2.
Variant type: single nucleotide variant.
Coding change: c.555C>T on transcript NM_004618.5 (MANE Select); coding-DNA position 555, C replaced by T.
Protein change: p.Ala185=; no amino-acid change (alanine 185 retained).
Molecular consequence: synonymous variant.
Genome position (GRCh38, 1-based): chr17:18,302,668, G>A on the plus strand (C>T on the coding strand, the complement: TOP3A is on the minus strand). VCF-style: chr17-18302668-G-A. GRCh37 (hg19) VCF-style: chr17-18205982-G-A.
Other names: c.270C>T, p.Ala90= (NM_001320759.2); c.555C>T (NM_004618.4).
Identifiers: ClinVar variation 2427802 (VCV002427802.7), dbSNP rs149535636, ClinGen allele CA8430184.
Genomic context (GRCh38, chr17:18,302,668, plus strand): 5'-ATCCACAGCATCGCTCACCCTCTGATCAGGCTCGGTCAGGTTTTCACAAGCTGTCCTGAC[G>A]GCATGGGGTGTGATCTCAGAGAATCGGGCTCGCAACACCTGCAGATTGGGCTTTACTGCA-3'
Protein context (NP_004609.1, residues 175-195): RARFSEITPH[Ala185=]VRTACENLTE

ClinVar aggregate classification (germline): Likely benign. Review status: criteria provided, single submitter (1 of 4 stars). 2 submissions from 2 submitters: Likely benign (1). 1 of the submissions does not count toward it. Last evaluated 2025-06-10.

Conditions:
TOP3A-related disorder. Also called: TOP3A-related disorders; TOP3A-related condition.

Allele frequency attached by ClinVar (database versions not stated): ExAC 0.00010; TOPMed 0.00028; gnomAD 0.00031; ESP Exome Variant Server 0.00038.
gnomAD v4.1: 79 of 1,614,026 alleles (0.0049%); highest among the groups gnomAD compares: African/African-American, 0.084%; no homozygotes.

Submissions (2):

Labcorp Genetics (formerly Invitae), Labcorp
Classification: Likely benign. Last evaluated: 2025-06-10. Review status: criteria provided, single submitter. Criteria: Invitae Variant Classification Sherloc (09022015). Collection method: clinical testing. Allele origin: germline.

PreventionGenetics, part of Exact Sciences
Classification: Likely benign for TOP3A-related condition. Last evaluated: 2022-11-14. Review status: no assertion criteria provided. Collection method: clinical testing. Allele origin: germline. Not counted in ClinVar's aggregate classification.
Comment: This variant is classified as likely benign based on ACMG/AMP sequence variant interpretation guidelines (Richards et al. 2015 PMID: 25741868, with internal and published modifications).